The following is an entry in ClinVar:

ClinVar aggregate classification (germline): Uncertain significance. Review status: criteria provided, single submitter (1 of 4 stars). 2 submissions from 2 submitters: Uncertain significance (1). 1 of the submissions does not count toward it. Last evaluated 2026-01-26.

Conditions:
Congenital hyperammonemia, type I. Also called: Carbamoyl-phosphate synthase I deficiency; Carbamoyl phosphate synthetase 1 deficiency; Hyperammonemia due to carbamoyl phosphate synthetase 1 deficiency; CPS 1 deficiency; Carbamyl phosphate synthetase (CPS) deficiency; Carbamoyl phosphate synthetase I deficiency disease. Identifiers: Orphanet 147, MedGen C4082171, MONDO:0009376, OMIM 237300.

Allele frequency attached by ClinVar (database versions not stated): ExAC 0.00001; gnomAD exomes 0.00001 and 0.00002; TOPMed 0.00001; 1000 Genomes Project 30x 0.00031; 1000 Genomes Project 0.00040.
gnomAD v4.1: 34 of 1,610,296 alleles (0.0021%); highest among the groups gnomAD compares: African/African-American, 0.0027%; no homozygotes.

Submissions (2):

Labcorp Genetics (formerly Invitae), Labcorp
Classification: Uncertain significance for Congenital hyperammonemia, type I. Last evaluated: 2026-01-26. Review status: criteria provided, single submitter. Criteria: Invitae Variant Classification Sherloc (09022015). Collection method: clinical testing. Allele origin: germline.
Comment: This sequence change replaces arginine, which is basic and polar, with cysteine, which is neutral and slightly polar, at codon 286 of the CPS1 protein (p.Arg286Cys). This variant is present in population databases (rs202130487, gnomAD 0.007%). This variant has not been reported in the literature in individuals affected with CPS1-related conditions. ClinVar contains an entry for this variant (Variation ID: 847125). Invitae Evidence Modeling of protein sequence and biophysical properties (such as structural, functional, and spatial information, amino acid conservation, physicochemical variation, residue mobility, and thermodynamic stability) indicates that this missense variant is not expected to disrupt CPS1 protein function with a negative predictive value of 95%. In summary, the available evidence is currently insufficient to determine the role of this variant in disease. Therefore, it has been classified as a Variant of Uncertain Significance.

Natera, Inc.
Classification: Uncertain significance for Carbamoyl-phosphate synthase I deficiency. Last evaluated: 2020-10-29. Review status: no assertion criteria provided. Collection method: clinical testing. Allele origin: germline. Not counted in ClinVar's aggregate classification.

NM_001875.5(CPS1):c.856C>T (p.Arg286Cys)

Gene: CPS1 (carbamoyl-phosphate synthase 1; plus strand). Cytogenetic location: 2q34.
Variant type: single nucleotide variant.
Coding change: c.856C>T on transcript NM_001875.5 (MANE Select); coding-DNA position 856, C replaced by T.
Protein change: p.Arg286Cys; replaces arginine 286 with cysteine.
Molecular consequence: missense variant. On other transcripts: non-coding transcript variant (1).
Genome position (GRCh38, 1-based): chr2:210,590,815, C>T. VCF-style: chr2-210590815-C-T. GRCh37 (hg19) VCF-style: chr2-211455539-C-T.
Other names: c.856C>T, p.Arg286Cys (NM_001369257.1, NM_001122633.3); c.889C>T, p.Arg297Cys (NM_001369256.1); short protein forms R286C, R297C.
Identifiers: ClinVar variation 847125 (VCV000847125.11), dbSNP rs202130487, ClinGen allele CA2086174.